The following is an entry in ClinVar:

ClinVar aggregate classification (germline): Conflicting classifications of pathogenicity. Review status: criteria provided, conflicting classifications (1 of 4 stars). 2 submissions from 2 submitters: Uncertain significance (1); Likely benign (1). Last evaluated 2024-09-26.

Allele frequency attached by ClinVar (database versions not stated): TOPMed below 0.00001; gnomAD exomes 0.00001.
gnomAD v4.1: 17 of 1,609,948 alleles (0.0011%); highest among the groups gnomAD compares: Non-Finnish European, 0.0014%; no homozygotes.

Submissions (2):

Ambry Genetics
Classification: Uncertain significance. Last evaluated: 2024-09-26. Review status: criteria provided, single submitter. Criteria: Ambry Variant Classification Scheme 2023. Collection method: clinical testing. Allele origin: germline.

CeGaT Center for Human Genetics Tuebingen
Classification: Likely benign. Last evaluated: 2022-07-01. Review status: criteria provided, single submitter. Criteria: CeGaT Center For Human Genetics Tuebingen Variant Classification Criteria Version 2. Collection method: clinical testing. Allele origin: germline. Affected: yes. Observed: 1 variant allele.
Comment: BDP1: BP4

NM_018429.3(BDP1):c.3161T>C (p.Val1054Ala)

Gene: BDP1 (BDP1 general transcription factor IIIB subunit; plus strand). Cytogenetic location: 5q13.2.
Variant type: single nucleotide variant.
Coding change: c.3161T>C on transcript NM_018429.3 (MANE Select); coding-DNA position 3161, T replaced by C.
Protein change: p.Val1054Ala; replaces valine 1054 with alanine.
Molecular consequence: missense variant.
Genome position (GRCh38, 1-based): chr5:71,510,253, T>C. VCF-style: chr5-71510253-T-C. GRCh37 (hg19) VCF-style: chr5-70806080-T-C.
Other names: c.3161T>C (NM_018429.2); short protein forms V1054A.
Identifiers: ClinVar variation 2655508 (VCV002655508.25), dbSNP rs1446569235, ClinGen allele CA359999242.